The following is an entry in ClinVar:

ClinVar aggregate classification (germline): Uncertain significance (1 of 4 stars; one submission).

Conditions:
Hereditary cancer-predisposing syndrome. Also called: Hereditary Cancer Syndrome; Hereditary neoplastic syndrome; Neoplastic Syndromes, Hereditary; Tumor predisposition. Identifiers: Orphanet 140162, MedGen C0027672, MeSH D009386, MONDO:0015356.

Submission:

Ambry Genetics
Classification: Uncertain significance for Hereditary cancer-predisposing syndrome. Last evaluated: 2025-03-28. Review status: criteria provided, single submitter. Criteria: Ambry Variant Classification Scheme 2023. Collection method: clinical testing. Allele origin: germline.
Comment: The p.E2639V variant (also known as c.7916A>T), located in coding exon 15 of the APC gene, results from an A to T substitution at nucleotide position 7916. The glutamic acid at codon 2639 is replaced by valine, an amino acid with dissimilar properties. This amino acid position is conserved. In addition, in silico predictors for this gene do not accurately predict pathogenicity. Based on the available evidence, the clinical significance of this variant remains unclear.

NM_000038.6(APC):c.7916A>T (p.Glu2639Val)

Gene: APC (APC regulator of Wnt signaling pathway; plus strand). Cytogenetic location: 5q22.2.
Variant type: single nucleotide variant.
Coding change: c.7916A>T on transcript NM_000038.6 (MANE Select); coding-DNA position 7916, A replaced by T.
Protein change: p.Glu2639Val; replaces glutamic acid 2639 with valine.
Molecular consequence: missense variant. On other transcripts: non-coding transcript variant (2).
Genome position (GRCh38, 1-based): chr5:112,843,510, A>T. VCF-style: chr5-112843510-A-T. GRCh37 (hg19) VCF-style: chr5-112179207-A-T.
Other names: c.7970A>T, p.Glu2657Val (NM_001407447.1, NM_001407448.1, NM_001407449.1 and 1 more transcripts); c.7916A>T, p.Glu2639Val (NM_001407450.1, NM_001127510.3, NM_001354895.2); c.7895A>T, p.Glu2632Val (NM_001407451.1); c.7886A>T, p.Glu2629Val (NM_001407452.1); c.7739A>T, p.Glu2580Val (NM_001407453.1, NM_001354901.2); c.7667A>T, p.Glu2556Val (NM_001407454.1, NM_001407455.1, NM_001407456.1 and 1 more transcripts); c.7613A>T, p.Glu2538Val (NM_001407458.1, NM_001407459.1, NM_001407460.1 and 1 more transcripts); c.7529A>T, p.Glu2510Val (NM_001407467.1, NM_001407469.1); and 11 more; short protein forms E2479V, E2510V, E2598V, E2614V, E2629V, E2255V, E2356V, E2556V.
Identifiers: ClinVar variation 3928330 (VCV003928330.1).
Genomic context (GRCh38, chr5:112,843,510, plus strand): 5'-AATTTTCTCCCACAAATAGTACTTCTCAGACCGTTTCCTCAGGTGCTACAAATGGTGCTG[A>T]ATCAAAGACTCTAATTTATCAAATGGCACCTGCTGTTTCTAAAACAGAGGATGTTTGGGT-3'
Protein context (NP_000029.2, residues 2629-2649): TVSSGATNGA[Glu2639Val]SKTLIYQMAP